The following is an entry in ClinVar:

ClinVar aggregate classification (germline): Uncertain significance. Review status: criteria provided, multiple submitters, no conflicts (2 of 4 stars). 2 submissions from 2 submitters: Uncertain significance (2). Last evaluated 2023-06-26.

Conditions:
Inborn genetic diseases. Identifiers: MedGen C0950123, MeSH D030342.

gnomAD v4.1: 3 of 1,613,422 alleles (0.00019%); highest among the groups gnomAD compares: Non-Finnish European, 0.00025%; no homozygotes.

Submissions (2):

Ambry Genetics
Classification: Uncertain significance for Inborn genetic diseases. Last evaluated: 2023-06-26. Review status: criteria provided, single submitter. Criteria: Ambry Variant Classification Scheme 2023. Collection method: clinical testing. Allele origin: germline.

Labcorp Genetics (formerly Invitae), Labcorp
Classification: Uncertain significance. Last evaluated: 2022-04-09. Review status: criteria provided, single submitter. Criteria: Invitae Variant Classification Sherloc (09022015). Collection method: clinical testing. Allele origin: germline.
Comment: This sequence change replaces serine, which is neutral and polar, with isoleucine, which is neutral and non-polar, at codon 327 of the NEDD4L protein (p.Ser327Ile). This variant is not present in population databases (gnomAD no frequency). This variant has not been reported in the literature in individuals affected with NEDD4L-related conditions. Algorithms developed to predict the effect of missense changes on protein structure and function are either unavailable or do not agree on the potential impact of this missense change (SIFT: "Deleterious"; PolyPhen-2: "Benign"; Align-GVGD: "Class C0"). In summary, the available evidence is currently insufficient to determine the role of this variant in disease. Therefore, it has been classified as a Variant of Uncertain Significance.

NM_001144967.3(NEDD4L):c.980G>T (p.Ser327Ile)

Gene: NEDD4L (NEDD4 like E3 ubiquitin protein ligase; plus strand). Cytogenetic location: 18q21.31.
Variant type: single nucleotide variant.
Coding change: c.980G>T on transcript NM_001144967.3 (MANE Select); coding-DNA position 980, G replaced by T.
Protein change: p.Ser327Ile; replaces serine 327 with isoleucine.
Molecular consequence: missense variant.
Genome position (GRCh38, 1-based): chr18:58,330,904, G>T. VCF-style: chr18-58330904-G-T. GRCh37 (hg19) VCF-style: chr18-55998136-G-T.
Other names: c.980G>T (NM_015277.5); c.617G>T, p.Ser206Ile (NM_001144964.1, NM_001144965.2, NM_001144966.3 and 2 more transcripts); c.956G>T, p.Ser319Ile (NM_001144968.2, NM_001144969.2); c.980G>T, p.Ser327Ile (NM_001243960.2, NM_015277.6); short protein forms S319I, S327I, S206I.
Identifiers: ClinVar variation 1919080 (VCV001919080.7), dbSNP rs190926188, ClinGen allele CA402556019.